The following is an entry in ClinVar:

ClinVar aggregate classification (germline): Uncertain significance. Review status: reviewed by expert panel (3 of 4 stars). 3 submissions from 3 submitters: Uncertain significance (1). 2 of the submissions do not count toward it. Last evaluated 2025-01-15.

Conditions:
Inborn genetic diseases. Identifiers: MedGen C0950123, MeSH D030342.
Hereditary thrombocytopenia and hematological cancer predisposition syndrome associated with RUNX1. Also called: Familial Platelet Disorder with Propensity to Acute Myelogenous Leukemia; Familial thrombocytopenia with propensity to acute myelogenous leukemia; PLATELET DISORDER, ASPIRIN-LIKE; RUNX1 Familial Platelet Disorder with Associated Myeloid Malignancies. Identifiers: Orphanet 71290, MedGen C1832388, MeSH C563324, MONDO:0100083, OMIM 601399.
Hereditary thrombocytopenia and hematologic cancer predisposition syndrome. Identifiers: Orphanet 71290, MedGen CN281654, MONDO:0011071.

Allele frequency attached by ClinVar (database versions not stated): gnomAD exomes below 0.00001.
gnomAD v4.1: 2 of 1,531,538 alleles (0.00013%); highest among the groups gnomAD compares: Non-Finnish European, 0.00017%; no homozygotes.

Submissions (3):

ClinGen Myeloid Malignancy Variant Curation Expert Panel
Classification: Uncertain significance for Hereditary thrombocytopenia and hematologic cancer predisposition syndrome. Last evaluated: 2025-01-15. Review status: reviewed by expert panel. Criteria: ClinGen MyeloMalig ACMG Specifications v2. Collection method: curation. Allele origin: germline. Inheritance: Autosomal dominant inheritance.
Comment: NM_001754.5(RUNX1):c.1399G>A (p.Ala467Thr) is a missense variant which has a REVEL score < 0.50 (0.108), and a SpliceAI score ≤ 0.20 (0.0) (BP4). This variant is completely absent from all population databases with at least 20x coverage for RUNX1 (PM2_Supporting). In summary, the clinical significance of this variant is uncertain. ACMG/AMP criteria applied, as specified by the Myeloid Malignancy Variant Curation Expert Panel for RUNX1: BP4, PM2_supporting.

Ambry Genetics
Classification: Uncertain significance for Inborn genetic diseases. Last evaluated: 2025-01-19. Review status: criteria provided, single submitter. Criteria: Ambry Variant Classification Scheme 2023. Collection method: clinical testing. Allele origin: germline. Not counted in ClinVar's aggregate classification.
Comment: The p.A467T variant (also known as c.1399G>A), located in coding exon 8 of the RUNX1 gene, results from a G to A substitution at nucleotide position 1399. The alanine at codon 467 is replaced by threonine, an amino acid with similar properties. This amino acid position is conserved. In addition, this alteration is predicted to be tolerated by in silico analysis. Based on the available evidence, the clinical significance of this variant remains unclear.

Labcorp Genetics (formerly Invitae), Labcorp
Classification: Uncertain significance for Hereditary thrombocytopenia and hematological cancer predisposition syndrome associated with RUNX1. Last evaluated: 2023-06-16. Review status: criteria provided, single submitter. Criteria: Invitae Variant Classification Sherloc (09022015). Collection method: clinical testing. Allele origin: germline. Not counted in ClinVar's aggregate classification.
Comment: In summary, the available evidence is currently insufficient to determine the role of this variant in disease. Therefore, it has been classified as a Variant of Uncertain Significance. Advanced modeling of protein sequence and biophysical properties (such as structural, functional, and spatial information, amino acid conservation, physicochemical variation, residue mobility, and thermodynamic stability) performed at Invitae indicates that this missense variant is not expected to disrupt RUNX1 protein function. This variant has not been reported in the literature in individuals affected with RUNX1-related conditions. This variant is not present in population databases (gnomAD no frequency). This sequence change replaces alanine, which is neutral and non-polar, with threonine, which is neutral and polar, at codon 467 of the RUNX1 protein (p.Ala467Thr).

NM_001754.5(RUNX1):c.1399G>A (p.Ala467Thr)

Gene: RUNX1 (RUNX family transcription factor 1; minus strand). Cytogenetic location: 21q22.12.
Variant type: single nucleotide variant.
Coding change: c.1399G>A on transcript NM_001754.5 (MANE Select); coding-DNA position 1399, G replaced by A.
Protein change: p.Ala467Thr; replaces alanine 467 with threonine.
Molecular consequence: missense variant.
Genome position (GRCh38, 1-based): chr21:34,792,179, C>T on the plus strand (G>A on the coding strand, the complement: RUNX1 is on the minus strand). VCF-style: chr21-34792179-C-T. GRCh37 (hg19) VCF-style: chr21-36164476-C-T.
Other names: NM_001754.5(RUNX1):c.1399G>A; p.Ala467Thr; c.1318G>A, p.Ala440Thr (NM_001001890.3); short protein forms A440T, A467T.
Identifiers: ClinVar variation 2717142 (VCV002717142.5), dbSNP rs2516813162, ClinGen allele CA410146813.
Genomic context (GRCh38, chr21:34,792,179, plus strand): 5'-GGCCAGGCCTGGCGCCTCAGTAGGGCCTCCACACGGCCTCCTCCAGGCGCGCGGAGGGCG[C>T]CATGTTGGTGGGGGAGTTGCTGTGGCTGCCCTCGGCCTCCACCACGTCGCTCTGGTTCGG-3'
Protein context (NP_001745.2, residues 457-477): GSHSNSPTNM[Ala467Thr]PSARLEEAVW